The following is an entry in ClinVar:

ClinVar aggregate classification (germline): Likely benign. Review status: criteria provided, multiple submitters, no conflicts (2 of 4 stars). 2 submissions from 2 submitters: Likely benign (2). Last evaluated 2026-08-01.

Conditions:
Peutz-Jeghers syndrome (PJS). Also called: POLYPOSIS, HAMARTOMATOUS INTESTINAL; POLYPS-AND-SPOTS SYNDROME; Peutz-Jeghers polyposis; Periorificial lentiginosis syndrome. Identifiers: Orphanet 2869, MedGen C0031269, MeSH D010580, MONDO:0008280, OMIM 175200.

Allele frequency attached by ClinVar (database versions not stated): gnomAD 0.00031 and 0.00035; TOPMed 0.00037; 1000 Genomes Project 30x 0.00062.
gnomAD v4.1: 632 of 1,070,060 alleles (0.059%); highest among the groups gnomAD compares: South Asian, 0.15%; no homozygotes.

Submissions (2):

CeGaT Center for Human Genetics Tuebingen
Classification: Likely benign. Last evaluated: 2026-08-01. Review status: criteria provided, single submitter. Criteria: CeGaT Center For Human Genetics Tuebingen Variant Classification Criteria Version 2. Collection method: clinical testing. Allele origin: germline. Affected: yes. Observed: 2 variant alleles.
Comment: STK11: BS1

Illumina Laboratory Services, Illumina
Classification: Likely benign for Peutz-Jeghers syndrome. Last evaluated: 2018-06-04. Review status: criteria provided, single submitter. Criteria: ICSL Variant Classification Criteria 13 December 2019. Collection method: clinical testing. Allele origin: germline.
Comment: This variant was observed as part of a predisposition screen in an ostensibly healthy population. A literature search was performed for the gene, cDNA change, and amino acid change (where applicable). No publications were found based on this search. Allele frequency data from public databases allowed determination this variant is unlikely to cause disease. Therefore, this variant is classified as likely benign.

NM_000455.5(STK11):c.*353C>A

Gene: STK11 (serine/threonine kinase 11; plus strand). Cytogenetic location: 19p13.3.
Variant type: single nucleotide variant.
Coding change: c.*353C>A on transcript NM_000455.5 (MANE Select); 353 bases downstream of the stop codon, C replaced by A.
Molecular consequence: 3 prime UTR variant.
Genome position (GRCh38, 1-based): chr19:1,227,929, C>A. VCF-style: chr19-1227929-C-A. GRCh37 (hg19) VCF-style: chr19-1227928-C-A.
Identifiers: ClinVar variation 890493 (VCV000890493.6), dbSNP rs866183878, ClinGen allele CA304035655.
Genomic context (GRCh38, chr19:1,227,929, plus strand): 5'-TATGTGGAGACTACTGGCCCCGCCCGTGGCCTCGTGCTCCGCAGGGCGCCCAGCGCCGTC[C>A]GGCGGCCCCGCCGCAGACCAGCTGGCGGGTGTGGAGACCAGGCTCCTGACCCCGCCATGC-3'